The following is an entry in ClinVar:

ClinVar aggregate classification (germline): Conflicting classifications of pathogenicity. Review status: criteria provided, conflicting classifications (1 of 4 stars). 9 submissions from 9 submitters: Uncertain significance (1); Likely benign (7). 1 of the submissions does not count toward it. Last evaluated 2026-02-02.

Conditions:
MSH3-related disorder. Also called: MSH3-related condition.
Familial adenomatous polyposis 4 (FAP4). Also called: MSH3-related attenuated familial adenomatous polyposis. Identifiers: Orphanet 480536, MedGen C4310719, MONDO:0044300, OMIM 617100.
Hereditary cancer-predisposing syndrome. Also called: Neoplastic Syndromes, Hereditary; Hereditary Cancer Syndrome; Tumor predisposition; Hereditary neoplastic syndrome. Identifiers: Orphanet 140162, MedGen C0027672, MeSH D009386, MONDO:0015356.

Allele frequency attached by ClinVar (database versions not stated): gnomAD 0.00004; gnomAD exomes 0.00005; TOPMed 0.00006; ExAC 0.00008; ESP Exome Variant Server 0.00008.
gnomAD v4.1: 154 of 1,614,030 alleles (0.0095%); highest among the groups gnomAD compares: Middle Eastern, 0.016%; no homozygotes.

Submissions (9):

Labcorp Genetics (formerly Invitae), Labcorp
Classification: Likely benign. Last evaluated: 2026-02-02. Review status: criteria provided, single submitter. Criteria: Invitae Variant Classification Sherloc (09022015). Collection method: clinical testing. Allele origin: germline.

CeGaT Center for Human Genetics Tuebingen
Classification: Likely benign. Last evaluated: 2025-11-01. Review status: criteria provided, single submitter. Criteria: CeGaT Center For Human Genetics Tuebingen Variant Classification Criteria Version 2. Collection method: clinical testing. Allele origin: germline. Affected: yes. Observed: 3 variant alleles.
Comment: MSH3: BP4, BP7

Quest Diagnostics Nichols Institute San Juan Capistrano
Classification: Uncertain significance. Last evaluated: 2025-07-20. Review status: criteria provided, single submitter. Criteria: Quest Diagnostics criteria. Collection method: clinical testing. Allele origin: unknown.
Comment: The MSH3 c.1896A>G (p.Lys632=) synonymous variant has been reported in the published literature in the somatic state in an individual with suspected MUTYH-associated polyposis (PMID: 34704405 (2021)). The frequency of this variant in the general population (Genome Aggregation Database) is uninformative in the assessment of its pathogenicity. Analysis of this variant using software algorithms for the prediction of the effect of nucleotide changes on splicing yielded predictions that this variant does not affect MSH3 mRNA splicing. Based on the available information, we are unable to determine the clinical significance of this variant.

Department of Pathology and Laboratory Medicine, Sinai Health System
Classification: Likely benign for Familial adenomatous polyposis 4. Last evaluated: 2024-11-29. Review status: criteria provided, single submitter. Criteria: ACMG Guidelines, 2015. Collection method: clinical testing. Allele origin: germline. Affected: yes.

Blueprint Genetics
Classification: Likely benign. Last evaluated: 2024-10-16. Review status: criteria provided, single submitter. Criteria: ACMG Guidelines, 2015. Collection method: clinical testing. Allele origin: germline.

Myriad Genetics, Inc.
Classification: Likely benign for Familial adenomatous polyposis 4. Last evaluated: 2023-12-13. Review status: criteria provided, single submitter. Criteria: Myriad Autosomal Dominant, Autosomal Recessive and X-Linked Classification Criteria (2023). Collection method: clinical testing. Allele origin: unknown.
Comment: This variant is considered likely benign. This variant is a silent/synonymous amino acid change and it is not expected to impact splicing.

Sema4
Classification: Likely benign for Hereditary cancer-predisposing syndrome. Last evaluated: 2021-09-23. Review status: criteria provided, single submitter. Criteria: Sema4 Curation Guidelines. Collection method: curation. Allele origin: germline.

Ambry Genetics
Classification: Likely benign for Hereditary cancer-predisposing syndrome. Last evaluated: 2019-02-08. Review status: criteria provided, single submitter. Criteria: Ambry Variant Classification Scheme 2023. Collection method: clinical testing. Allele origin: germline.

PreventionGenetics, part of Exact Sciences
Classification: Likely benign for MSH3-related condition. Last evaluated: 2023-09-21. Review status: no assertion criteria provided. Collection method: clinical testing. Allele origin: germline. Not counted in ClinVar's aggregate classification.
Comment: This variant is classified as likely benign based on ACMG/AMP sequence variant interpretation guidelines (Richards et al. 2015 PMID: 25741868, with internal and published modifications).

Literature cited by the submitters: PubMed 34704405 (cited by Quest Diagnostics Nichols Institute San Juan Capistrano).

NM_002439.5(MSH3):c.1896A>G (p.Lys632=)

Gene: MSH3 (mutS homolog 3; plus strand). Cytogenetic location: 5q14.1.
Variant type: single nucleotide variant.
Coding change: c.1896A>G on transcript NM_002439.5 (MANE Select); coding-DNA position 1896, A replaced by G.
Protein change: p.Lys632=; no amino-acid change (lysine 632 retained).
Molecular consequence: synonymous variant.
Genome position (GRCh38, 1-based): chr5:80,761,678, A>G. VCF-style: chr5-80761678-A-G. GRCh37 (hg19) VCF-style: chr5-80057497-A-G.
Identifiers: ClinVar variation 659090 (VCV000659090.46), dbSNP rs201737845, ClinGen allele CA3328073.